The following is an entry in ClinVar:

NM_003240.5(LEFTY2):c.530C>T (p.Ala177Val)

Gene: LEFTY2 (left-right determination factor 2; minus strand). Cytogenetic location: 1q42.12.
Variant type: single nucleotide variant.
Coding change: c.530C>T on transcript NM_003240.5 (MANE Select); coding-DNA position 530, C replaced by T.
Protein change: p.Ala177Val; replaces alanine 177 with valine.
Molecular consequence: missense variant.
Genome position (GRCh38, 1-based): chr1:225,939,568, G>A on the plus strand (C>T on the coding strand, the complement: LEFTY2 is on the minus strand). VCF-style: chr1-225939568-G-A. GRCh37 (hg19) VCF-style: chr1-226127268-G-A.
Other names: c.428C>T, p.Ala143Val (NM_001172425.3); short protein forms A177V, A143V.
Identifiers: ClinVar variation 935721 (VCV000935721.10), dbSNP rs746976495, ClinGen allele CA1420544.

ClinVar aggregate classification (germline): Uncertain significance (1 of 4 stars; one submission).

Conditions:
Left-right axis malformations. Identifiers: MedGen C1866091.

Allele frequency attached by ClinVar (database versions not stated): ExAC 0.00001; gnomAD exomes 0.00001; gnomAD 0.00003 and 0.00004; TOPMed 0.00006; 1000 Genomes Project 30x 0.00031.
gnomAD v4.1: 17 of 1,612,322 alleles (0.0011%); highest among the groups gnomAD compares: African/African-American, 0.019%; no homozygotes.

Submission:

Labcorp Genetics (formerly Invitae), Labcorp
Classification: Uncertain significance for Left-right axis malformations. Last evaluated: 2019-06-24. Review status: criteria provided, single submitter. Criteria: Invitae Variant Classification Sherloc (09022015). Collection method: clinical testing. Allele origin: germline.
Comment: In summary, the available evidence is currently insufficient to determine the role of this variant in disease. Therefore, it has been classified as a Variant of Uncertain Significance. Algorithms developed to predict the effect of sequence changes on RNA splicing suggest that this variant may create or strengthen a splice site, but this prediction has not been confirmed by published transcriptional studies. Algorithms developed to predict the effect of missense changes on protein structure and function output the following: SIFT: "Tolerated"; PolyPhen-2: "Benign"; Align-GVGD: "Class C0". The valine amino acid residue is found in multiple mammalian species, suggesting that this missense change does not adversely affect protein function. These predictions have not been confirmed by published functional studies and their clinical significance is uncertain. This variant has not been reported in the literature in individuals with LEFTY2-related conditions. This variant is present in population databases (rs746976495, ExAC 0.01%). This sequence change replaces alanine with valine at codon 177 of the LEFTY2 protein (p.Ala177Val). The alanine residue is weakly conserved and there is a small physicochemical difference between alanine and valine.